The following is an entry in ClinVar:

NM_001197104.2(KMT2A):c.5521C>T (p.Pro1841Ser)

Gene: KMT2A (lysine methyltransferase 2A; plus strand). Cytogenetic location: 11q23.3.
Variant type: single nucleotide variant.
Coding change: c.5521C>T on transcript NM_001197104.2 (MANE Select); coding-DNA position 5521, C replaced by T.
Protein change: p.Pro1841Ser; replaces proline 1841 with serine.
Molecular consequence: missense variant.
Genome position (GRCh38, 1-based): chr11:118,495,857, C>T. VCF-style: chr11-118495857-C-T. GRCh37 (hg19) VCF-style: chr11-118366572-C-T.
Other names: c.5611C>T, p.Pro1871Ser (NM_001412597.1); c.5512C>T, p.Pro1838Ser (NM_005933.4); short protein forms P1841S, P1838S, P1871S.
Identifiers: ClinVar variation 4747710 (VCV004747710.1).

ClinVar aggregate classification (germline): Uncertain significance (1 of 4 stars; one submission).

gnomAD v4.1: 10 of 1,613,988 alleles (0.00062%); highest among the groups gnomAD compares: East Asian, 0.02%; no homozygotes.

Submission:

Labcorp Genetics (formerly Invitae), Labcorp
Classification: Uncertain significance. Last evaluated: 2025-09-09. Review status: criteria provided, single submitter. Criteria: Invitae Variant Classification Sherloc (09022015). Collection method: clinical testing. Allele origin: germline.
Comment: This sequence change replaces proline, which is neutral and non-polar, with serine, which is neutral and polar, at codon 1841 of the KMT2A protein (p.Pro1841Ser). This variant is not present in population databases (gnomAD no frequency). This variant has not been reported in the literature in individuals affected with KMT2A-related conditions. Invitae Evidence Modeling of protein sequence and biophysical properties (such as structural, functional, and spatial information, amino acid conservation, physicochemical variation, residue mobility, and thermodynamic stability) has been performed for this missense variant. However, the output from this modeling did not meet the statistical confidence thresholds required to predict the impact of this variant on KMT2A protein function. In summary, the available evidence is currently insufficient to determine the role of this variant in disease. Therefore, it has been classified as a Variant of Uncertain Significance.